The following is an entry in ClinVar:

NM_006267.5(RANBP2):c.1702C>T (p.His568Tyr)

Gene: RANBP2 (RAN binding protein 2; plus strand). Cytogenetic location: 2q13.
Variant type: single nucleotide variant.
Coding change: c.1702C>T on transcript NM_006267.5 (MANE Select); coding-DNA position 1702, C replaced by T.
Protein change: p.His568Tyr; replaces histidine 568 with tyrosine.
Molecular consequence: missense variant.
Genome position (GRCh38, 1-based): chr2:108,751,941, C>T. VCF-style: chr2-108751941-C-T. GRCh37 (hg19) VCF-style: chr2-109368397-C-T.
Other names: c.1702C>T (NM_006267.4); c.1702C>T, p.His568Tyr (NM_001415871.1, NM_001415873.1); c.1699C>T, p.His567Tyr (NM_001415872.1); short protein forms H567Y, H568Y.
Identifiers: ClinVar variation 3004549 (VCV003004549.4), dbSNP rs1675916733, ClinGen allele CA348050269.

ClinVar aggregate classification (germline): Uncertain significance. Review status: criteria provided, multiple submitters, no conflicts (2 of 4 stars). 2 submissions from 2 submitters: Uncertain significance (2). Last evaluated 2024-06-26.

Conditions:
Familial acute necrotizing encephalopathy (IIAE3). Also called: ENCEPHALOPATHY, ACUTE, INFECTION-INDUCED, SUSCEPTIBILITY TO, 3; Susceptibility to Acute Necrotizing Encephalopathy 1. Identifiers: Orphanet 88619, MedGen C2675556, MONDO:0011953, OMIM 608033.

Allele frequency attached by ClinVar (database versions not stated): gnomAD exomes below 0.00001; TOPMed below 0.00001; gnomAD 0.00001.
gnomAD v4.1: 3 of 1,611,872 alleles (0.00019%); highest among the groups gnomAD compares: Non-Finnish European, 0.00025%; no homozygotes.

Submissions (2):

GeneDx
Classification: Uncertain significance. Last evaluated: 2024-06-26. Review status: criteria provided, single submitter. Criteria: GeneDx Variant Classification Process June 2021. Collection method: clinical testing. Allele origin: germline. Affected: yes.
Comment: Not observed at significant frequency in large population cohorts (gnomAD); In silico analysis supports that this missense variant has a deleterious effect on protein structure/function; Has not been previously published as pathogenic or benign to our knowledge

Labcorp Genetics (formerly Invitae), Labcorp
Classification: Uncertain significance for Familial acute necrotizing encephalopathy. Last evaluated: 2023-03-27. Review status: criteria provided, single submitter. Criteria: Invitae Variant Classification Sherloc (09022015). Collection method: clinical testing. Allele origin: germline.
Comment: In summary, the available evidence is currently insufficient to determine the role of this variant in disease. Therefore, it has been classified as a Variant of Uncertain Significance. An algorithm developed to predict the effect of missense changes on protein structure and function (PolyPhen-2) suggests that this variant is likely to be tolerated. This variant has not been reported in the literature in individuals affected with RANBP2-related conditions. This variant is not present in population databases (gnomAD no frequency). This sequence change replaces histidine, which is basic and polar, with tyrosine, which is neutral and polar, at codon 568 of the RANBP2 protein (p.His568Tyr).